The following is an entry in ClinVar:

ClinVar aggregate classification (germline): Likely benign (0 of 4 stars; one submission).

Conditions:
CADPS-related disorder. Also called: CADPS-related condition.

Allele frequency attached by ClinVar (database versions not stated): gnomAD exomes 0.00012; 1000 Genomes Project 0.00040; ExAC 0.00041; 1000 Genomes Project 30x 0.00047; gnomAD 0.00130; TOPMed 0.00141; ESP Exome Variant Server 0.00192.
gnomAD v4.1: 385 of 1,614,170 alleles (0.024%); highest among the groups gnomAD compares: African/African-American, 0.46%; 2 homozygotes.

Submission:

PreventionGenetics, part of Exact Sciences
Classification: Likely benign for CADPS-related condition. Last evaluated: 2023-04-26. Review status: no assertion criteria provided. Collection method: clinical testing. Allele origin: germline.
Comment: This variant is classified as likely benign based on ACMG/AMP sequence variant interpretation guidelines (Richards et al. 2015 PMID: 25741868, with internal and published modifications).

NM_003716.4(CADPS):c.684C>T (p.Leu228=)

Gene: CADPS (calcium dependent secretion activator; minus strand). Cytogenetic location: 3p14.2.
Variant type: single nucleotide variant.
Coding change: c.684C>T on transcript NM_003716.4 (MANE Select); coding-DNA position 684, C replaced by T.
Protein change: p.Leu228=; no amino-acid change (leucine 228 retained).
Molecular consequence: synonymous variant.
Genome position (GRCh38, 1-based): chr3:62,753,645, G>A on the plus strand (C>T on the coding strand, the complement: CADPS is on the minus strand). VCF-style: chr3-62753645-G-A. GRCh37 (hg19) VCF-style: chr3-62739320-G-A.
Other names: c.684C>T, p.Leu228= (NM_183393.3, NM_183394.3).
Identifiers: ClinVar variation 3040335 (VCV003040335.2), dbSNP rs142877891, ClinGen allele CA2477225.